The following is an entry in ClinVar:

NM_001371928.1(AHDC1):c.1202G>A (p.Arg401Gln)

Gene: AHDC1 (AT-hook DNA binding motif containing 1; minus strand). Cytogenetic location: 1p36.11.
Variant type: single nucleotide variant.
Coding change: c.1202G>A on transcript NM_001371928.1 (MANE Select); coding-DNA position 1202, G replaced by A.
Protein change: p.Arg401Gln; replaces arginine 401 with glutamine.
Molecular consequence: missense variant.
Genome position (GRCh38, 1-based): chr1:27,550,914, C>T on the plus strand (G>A on the coding strand, the complement: AHDC1 is on the minus strand). VCF-style: chr1-27550914-C-T. GRCh37 (hg19) VCF-style: chr1-27877425-C-T.
Other names: c.1202G>A, p.Arg401Gln (NM_001029882.3); short protein forms R401Q.
Identifiers: ClinVar variation 2967276 (VCV002967276.5), dbSNP rs764920812, ClinGen allele CA715994.

ClinVar aggregate classification (germline): Uncertain significance. Review status: criteria provided, multiple submitters, no conflicts (2 of 4 stars). 2 submissions from 2 submitters: Uncertain significance (2). Last evaluated 2025-05-14.

Allele frequency attached by ClinVar (database versions not stated): ExAC 0.00002; gnomAD exomes below 0.00001.
gnomAD v4.1: 1 of 1,597,398 alleles (0.000063%); highest among the groups gnomAD compares: Non-Finnish European, 0.000085%; no homozygotes.

Submissions (2):

Dasa
Classification: Uncertain significance. Last evaluated: 2025-05-14. Review status: criteria provided, single submitter. Criteria: DASA Assertion Criteria. Collection method: clinical testing. Allele origin: germline.
Comment: NM_001371928.1(AHDC1):c.1202G>A (p.Arg401Gln) is a missense variant that results in the substitution of arginine with glutamine. This variant is rare in population databases. Computational prediction algorithms are consistent with a benign effect. The currently available literature and clinical evidence are not sufficient to establish a definitive association between this variant and the reported condition. Therefore, this variant is classified as a variant of uncertain significance.

Labcorp Genetics (formerly Invitae), Labcorp
Classification: Uncertain significance. Last evaluated: 2022-12-13. Review status: criteria provided, single submitter. Criteria: Invitae Variant Classification Sherloc (09022015). Collection method: clinical testing. Allele origin: germline.
Comment: Algorithms developed to predict the effect of missense changes on protein structure and function are either unavailable or do not agree on the potential impact of this missense change (SIFT: "Deleterious"; PolyPhen-2: "Benign"; Align-GVGD: "Class C0"). In summary, the available evidence is currently insufficient to determine the role of this variant in disease. Therefore, it has been classified as a Variant of Uncertain Significance. This variant has not been reported in the literature in individuals affected with AHDC1-related conditions. This sequence change replaces arginine, which is basic and polar, with glutamine, which is neutral and polar, at codon 401 of the AHDC1 protein (p.Arg401Gln). This variant is not present in population databases (gnomAD no frequency).